The following is an entry in ClinVar:

ClinVar aggregate classification (germline): Pathogenic. Review status: criteria provided, multiple submitters, no conflicts (2 of 4 stars). 2 submissions from 2 submitters: Pathogenic (2). Last evaluated 2024-05-01.

Conditions:
Hereditary cancer-predisposing syndrome. Also called: Neoplastic Syndromes, Hereditary; Tumor predisposition; Hereditary Cancer Syndrome; Hereditary neoplastic syndrome. Identifiers: Orphanet 140162, MedGen C0027672, MeSH D009386, MONDO:0015356.
Pheochromocytoma. Also called: MAX-Related Hereditary Paraganglioma-Pheochromocytoma Syndrome. Identifiers: Orphanet 29072, MedGen C0031511, MONDO:0008233, OMIM 171300, HP:0002666.
Gastrointestinal stromal tumor. Also called: Gastrointestinal stromal tumor, somatic; Gastrointestinal stroma tumor. Identifiers: Orphanet 44890, MedGen C0238198, MeSH D046152, MONDO:0011719, OMIM 606764, HP:0100723.
Pheochromocytoma/paraganglioma syndrome 4. Also called: CAROTID BODY TUMORS AND MULTIPLE EXTRAADRENAL PHEOCHROMOCYTOMAS; PARAGANGLIOMA, FAMILIAL MALIGNANT; PARAGANGLIOMAS, HEREDITARY EXTRAADRENAL; PHEOCHROMOCYTOMA, FAMILIAL EXTRAADRENAL; Paragangliomas 4; SDHB-Related Hereditary Paraganglioma-Pheochromocytoma Syndrome (Paragangliomas 4). Identifiers: Orphanet 29072, MedGen C1861848, MONDO:0007273, OMIM 115310.

Submissions (2):

Labcorp Genetics (formerly Invitae), Labcorp
Classification: Pathogenic for Gastrointestinal stromal tumor; Pheochromocytoma/paraganglioma syndrome 4; Pheochromocytoma. Last evaluated: 2024-05-01. Review status: criteria provided, single submitter. Criteria: Invitae Variant Classification Sherloc (09022015). Collection method: clinical testing. Allele origin: germline.
Comment: This sequence change creates a premature translational stop signal (p.Arg230Alafs*26) in the SDHB gene. While this is not anticipated to result in nonsense mediated decay, it is expected to disrupt the last 51 amino acid(s) of the SDHB protein. This variant is not present in population databases (gnomAD no frequency). This premature translational stop signal has been observed in individual(s) with paraganglioma-pheochromocytoma syndromes (PMID: 18382370). This variant is also known as c.687_688insG, p.Glu229fs. This variant disrupts a region of the SDHB protein in which other variant(s) (p.Ser239Tyrfs*8) have been determined to be pathogenic (PMID: 15328326; Invitae). This suggests that this is a clinically significant region of the protein, and that variants that disrupt it are likely to be disease-causing. For these reasons, this variant has been classified as Pathogenic.

Ambry Genetics
Classification: Pathogenic for Hereditary cancer-predisposing syndrome. Last evaluated: 2023-09-18. Review status: criteria provided, single submitter. Criteria: Ambry Variant Classification Scheme 2023. Collection method: clinical testing. Allele origin: germline.
Comment: The c.687dupG variant, located in coding exon 7 of the SDHB gene, results from a duplication of G at nucleotide position 687, causing a translational frameshift with a predicted alternate stop codon (p.R230Afs*26). This alteration occurs at the 3' terminus of theSDHB gene, is not expected to trigger nonsense-mediated mRNA decay, and impacts the last 9% of the protein. However, premature stop codons are typically deleterious in nature and a significant portion of the protein is affected (Ambry internal data). As such, this alteration is interpreted as a disease-causing mutation.

Literature cited by the submitters: PubMed 18382370 (cited by Labcorp Genetics (formerly Invitae), Labcorp); PubMed 15328326 (cited by Labcorp Genetics (formerly Invitae), Labcorp).

NM_003000.3(SDHB):c.687dup (p.Arg230fs)

Gene: SDHB (succinate dehydrogenase complex iron sulfur subunit B; minus strand). Cytogenetic location: 1p36.13.
Variant type: Duplication.
Coding change: c.687dup on transcript NM_003000.3 (MANE Select); coding-DNA position 687, one base duplicated (G; older notation c.687dupG).
Protein change: p.Arg230fs; shifts the reading frame from arginine 230.
Molecular consequence: frameshift variant.
Genome position (GRCh38, 1-based): chr1:17,022,686, C duplicated on the plus strand (G on the coding strand, the reverse complement: SDHB is on the minus strand). VCF-style (leftmost placement, unchanged base first): chr1-17022685-G-GC. GRCh37 (hg19) VCF-style: chr1-17349180-G-GC.
Other names: c.687dupG (NM_003000.2); c.633dup, p.Arg212fs (NM_001407361.1); short protein forms R212fs, R230fs.
Identifiers: ClinVar variation 3223015 (VCV003223015.3), dbSNP rs2525004143, ClinGen allele CA2586964020.